The following is an entry in ClinVar:

NM_001034853.2(RPGR):c.1261dup (p.Ser421fs)

Gene: RPGR (retinitis pigmentosa GTPase regulator; minus strand). Cytogenetic location: Xp11.4.
Variant type: Duplication.
Coding change: c.1261dup on transcript NM_001034853.2 (MANE Select); coding-DNA position 1261, one base duplicated (T; older notation c.1261dupT).
Protein change: p.Ser421fs; shifts the reading frame from serine 421.
Molecular consequence: frameshift variant. On other transcripts: non-coding transcript variant (6).
Genome position (GRCh38, 1-based): chrX:38,297,437, A duplicated on the plus strand (T on the coding strand, the reverse complement: RPGR is on the minus strand); the first of 2 consecutive A bases (chrX:38,297,437-38,297,438); duplicating either gives the same sequence. VCF-style (leftmost placement, unchanged base first): chrX-38297436-G-GA. GRCh37 (hg19) VCF-style: chrX-38156689-G-GA.
Other names: c.1261dup, p.Ser421fs (NM_000328.3, NM_001367247.1); c.1258dup, p.Ser420fs (NM_001367245.1, NM_001367249.1, NM_001367250.1); c.1075dup, p.Ser359fs (NM_001367246.1, NM_001367251.1); c.1291dup, p.Ser431fs (NM_001367248.1); short protein forms S359fs, S420fs, S421fs, S431fs.
Identifiers: ClinVar variation 4856803 (VCV004856803.1).
Genomic context (GRCh38, chrX:38,297,436, plus strand): 5'-AAACAAGCAGAAAGGCCAAGAGTCCCTTCTATTGGAGGTAGTGTTCTCCTCATTGAAAAA[G>GA]AATCTGGAGACCTCTCCTTTAAAATAAGCAGGTTAAACAAACTATTTCATGATGTTATAT-3'

ClinVar aggregate classification (germline): Likely pathogenic (0 of 4 stars; one submission).

Conditions:
Retinitis pigmentosa 3. Also called: CHOROIDORETINAL DEGENERATION WITH RETINAL REFLEX IN HETEROZYGOUS WOMEN. Identifiers: Orphanet 791, MedGen C1845667, MONDO:0010227, OMIM 300029.

Submission:

Department of Medical Genetics, Unidade Local de Saúde de Coimbra
Classification: Likely pathogenic for Retinitis pigmentosa 3. Review status: no assertion criteria provided. Collection method: clinical testing. Allele origin: inherited. Inheritance: X-linked inheritance. Affected: yes. Observed: 4 variant alleles, 2 heterozygotes, 2 hemizygotes.
Comment: The c.1261dup variant in RPGR was identified in a Portuguese family affected by X‑linked retinitis pigmentosa (XLRP). It segregated with the disease in four affected relatives and was not detected in large population databases.

Literature cited by the submitters: PubMed 42521440.